The following is an entry in ClinVar:

NM_001130823.3(DNMT1):c.2697G>A (p.Gln899=)

Gene: DNMT1 (DNA methyltransferase 1; minus strand). Cytogenetic location: 19p13.2.
Variant type: single nucleotide variant.
Coding change: c.2697G>A on transcript NM_001130823.3 (MANE Select); coding-DNA position 2697, G replaced by A.
Protein change: p.Gln899=; no amino-acid change (glutamine 899 retained).
Molecular consequence: synonymous variant.
Genome position (GRCh38, 1-based): chr19:10,148,907, C>T on the plus strand (G>A on the coding strand, the complement: DNMT1 is on the minus strand). VCF-style: chr19-10148907-C-T. GRCh37 (hg19) VCF-style: chr19-10259583-C-T.
Other names: c.2649G>A, p.Gln883= (NM_001318730.2, NM_001379.4); c.2334G>A, p.Gln778= (NM_001318731.2); c.2697G>A (NM_001130823.2).
Identifiers: ClinVar variation 767406 (VCV000767406.38), dbSNP rs530293931, ClinGen allele CA9187971.

ClinVar aggregate classification (germline): Benign/Likely benign. Review status: criteria provided, multiple submitters, no conflicts (2 of 4 stars). 5 submissions from 5 submitters: Benign (3); Likely benign (2). Last evaluated 2025-11-25.

Conditions:
DNMT1-related disorder. Also called: DNMT1-related condition. Identifiers: MedGen CN381527.
Hereditary sensory neuropathy-deafness-dementia syndrome. Also called: HSN IE; Hereditary Sensory and Autonomic Neuropathy Type 1E (HSAN1E); Hereditary sensory neuropathy type IE; NEUROPATHY, HEREDITARY SENSORY, WITH HEARING LOSS AND DEMENTIA. Identifiers: Orphanet 456318, MedGen C3279885, MONDO:0013584, OMIM 614116.

Allele frequency attached by ClinVar (database versions not stated): gnomAD below 0.00001 and 0.00010; TOPMed below 0.00001; ExAC 0.00044; 1000 Genomes Project 30x 0.00047; 1000 Genomes Project 0.00060.
gnomAD v4.1: 288 of 1,614,186 alleles (0.018%); highest among the groups gnomAD compares: South Asian, 0.31%; 2 homozygotes.

Submissions (5):

Women's Health and Genetics/Laboratory Corporation of America, LabCorp
Classification: Benign. Last evaluated: 2025-11-25. Review status: criteria provided, single submitter. Criteria: LabCorp Variant Classification Summary - May 2015. Collection method: clinical testing. Allele origin: germline.

Labcorp Genetics (formerly Invitae), Labcorp
Classification: Benign for Hereditary sensory neuropathy-deafness-dementia syndrome. Last evaluated: 2025-07-31. Review status: criteria provided, single submitter. Criteria: Invitae Variant Classification Sherloc (09022015). Collection method: clinical testing. Allele origin: germline.

PreventionGenetics, part of Exact Sciences
Classification: Likely benign for DNMT1-related condition. Last evaluated: 2025-06-24. Review status: criteria provided, single submitter. Criteria: ACMG Guidelines, 2015. Collection method: clinical testing. Allele origin: germline.
Comment: This variant is classified as likely benign based on ACMG/AMP sequence variant interpretation guidelines (Richards et al. 2015 PMID: 25741868, with internal and published modifications).

CeGaT Center for Human Genetics Tuebingen
Classification: Likely benign. Last evaluated: 2023-07-01. Review status: criteria provided, single submitter. Criteria: CeGaT Center For Human Genetics Tuebingen Variant Classification Criteria Version 2. Collection method: clinical testing. Allele origin: germline. Affected: yes. Observed: 2 variant alleles.
Comment: DNMT1: BP4, BP7

GeneDx
Classification: Benign. Last evaluated: 2019-12-24. Review status: criteria provided, single submitter. Criteria: GeneDx Variant Classification Process June 2021. Collection method: clinical testing. Allele origin: germline. Affected: yes.